The following is an entry in ClinVar:

NM_001035.3(RYR2):c.6940_6942delinsAAA (p.Glu2314Lys)

Gene: RYR2 (ryanodine receptor 2; plus strand). Cytogenetic location: 1q43.
Variant type: Indel.
Coding change: c.6940_6942delinsAAA on transcript NM_001035.3 (MANE Select); coding-DNA positions 6940 to 6942, GAG replaced by AAA.
Protein change: p.Glu2314Lys; replaces glutamic acid 2314 with lysine.
Molecular consequence: missense variant.
Genome position (GRCh38, 1-based): chr1:237,639,026-237,639,028, GAG replaced by AAA. VCF-style: chr1-237639026-GAG-AAA. GRCh37 (hg19) VCF-style: chr1-237802326-GAG-AAA.
Other names: c.6940_6942delinsAAA, p.Glu2314Lys (LRG_402t1); short protein forms E2314K.
Identifiers: ClinVar variation 450836 (VCV000450836.2), dbSNP rs1553263732, ClinGen allele CA658656997.
Genomic context (GRCh38, chr1:237,639,026, plus strand): 5'-ACTTCCATATAATCATATTTGTTTACTTATCTTCCCCATTCTACTTTAGGGGAGAGTGTG[GAG>AAA]GAAAATGCAAATGTCGTGGTGAGATTGCTCATTCGGAGGCCTGAGTGTTTTGGTCCTGCT-3'
Protein context (NP_001026.2, residues 2304-2324): FAVFCNGESV[Glu2314Lys]ENANVVVRLL

ClinVar aggregate classification (germline): Likely pathogenic (1 of 4 stars; one submission).

Submission:

GeneDx
Classification: Likely pathogenic. Last evaluated: 2017-07-20. Review status: criteria provided, single submitter. Criteria: GeneDx Variant Classification (06012015). Collection method: clinical testing. Allele origin: germline. Affected: yes.
Comment: The c.6940_6942delGAGinsAAA variant has not been published as pathogenic or been reported as benign to our knowledge. This variant is not observed in large population cohorts (Lek et al., 2016; 1000 Genomes Consortium et al., 2015; Exome Variant Server). The c.6940_6942delGAGinsAAA variant results in an in-frame insertion leading to a non-conservative amino acid substitution of a negatively charged Glutamic acid with a positively charged Lysine at codon 2314, denoted p.Glu2314Lys (E2314K). Lastly, this variant is located in one of the three hot-spot regions of the RYR2 gene, where the majority of pathogenic missense variants occur (Medeiros-Domingo et al., 2009).